The following is an entry in ClinVar:

NM_000541.5(SAG):c.330C>T (p.Ser110=)

Gene: SAG (S-antigen visual arrestin; plus strand). Cytogenetic location: 2q37.1.
Variant type: single nucleotide variant.
Coding change: c.330C>T on transcript NM_000541.5 (MANE Select); coding-DNA position 330, C replaced by T.
Protein change: p.Ser110=; no amino-acid change (serine 110 retained).
Molecular consequence: synonymous variant.
Genome position (GRCh38, 1-based): chr2:233,320,778, C>T. VCF-style: chr2-233320778-C-T. GRCh37 (hg19) VCF-style: chr2-234229424-C-T.
Other names: c.330C>T (NM_000541.4).
Identifiers: ClinVar variation 1926941 (VCV001926941.7), dbSNP rs753704252, ClinGen allele CA431823180.
Genomic context (GRCh38, chr2:233,320,778, plus strand): 5'-CCGGGTCCAGGTGTATCCTCCTGTGGGGGCCGCGAGCACCCCCACAAAACTGCAAGAGAG[C>T]CTGCTTAAAAAGCTGGGGAGCAACACGTACCCCTTTCTCCTGACGGTGGGTGACTCCTCC-3'
Protein context (NP_000532.2, residues 100-120): AASTPTKLQE[Ser110=]LLKKLGSNTY

ClinVar aggregate classification (germline): Likely benign. Review status: criteria provided, multiple submitters, no conflicts (2 of 4 stars). 3 submissions from 3 submitters: Likely benign (3). Last evaluated 2025-11-12.

Conditions:
SAG-related disorder. Also called: SAG-related condition; SAG-related disorders.

Allele frequency attached by ClinVar (database versions not stated): gnomAD 0.00001; TOPMed 0.00001.
gnomAD v4.1: 7 of 1,605,754 alleles (0.00044%); highest among the groups gnomAD compares: African/African-American, 0.0027%; no homozygotes.

Submissions (3):

PreventionGenetics, part of Exact Sciences
Classification: Likely benign for SAG-related condition. Last evaluated: 2025-11-12. Review status: criteria provided, single submitter. Criteria: ACMG Guidelines, 2015. Collection method: clinical testing. Allele origin: germline.
Comment: This variant is classified as likely benign based on ACMG/AMP sequence variant interpretation guidelines (Richards et al. 2015 PMID: 25741868, with internal and published modifications).

Labcorp Genetics (formerly Invitae), Labcorp
Classification: Likely benign. Last evaluated: 2025-07-03. Review status: criteria provided, single submitter. Criteria: Invitae Variant Classification Sherloc (09022015). Collection method: clinical testing. Allele origin: germline.

Blueprint Genetics
Classification: Likely benign. Last evaluated: 2024-06-26. Review status: criteria provided, single submitter. Criteria: ACMG Guidelines, 2015. Collection method: clinical testing. Allele origin: germline.